The following is an entry in ClinVar:

ClinVar aggregate classification (germline): Uncertain significance. Review status: criteria provided, multiple submitters, no conflicts (2 of 4 stars). 2 submissions from 2 submitters: Uncertain significance (2). Last evaluated 2022-02-02.

Conditions:
Inborn genetic diseases. Identifiers: MedGen C0950123, MeSH D030342.

Allele frequency attached by ClinVar (database versions not stated): gnomAD 0.00001.
gnomAD v4.1: 9 of 1,613,908 alleles (0.00056%); highest among the groups gnomAD compares: Non-Finnish European, 0.00076%; no homozygotes.

Submissions (2):

GeneDx
Classification: Uncertain significance. Last evaluated: 2022-02-02. Review status: criteria provided, single submitter. Criteria: GeneDx Variant Classification Process June 2021. Collection method: clinical testing. Allele origin: germline. Affected: yes.
Comment: Not observed at significant frequency in large population cohorts (gnomAD); In silico analysis supports that this missense variant has a deleterious effect on protein structure/function; Has not been previously published as pathogenic or benign to our knowledge

Ambry Genetics
Classification: Uncertain significance for Inborn genetic diseases. Last evaluated: 2020-01-09. Review status: criteria provided, single submitter. Criteria: Ambry Variant Classification Scheme 2023. Collection method: clinical testing. Allele origin: germline.
Comment: The p.C395S variant (also known as c.1184G>C), located in coding exon 10 of the BSCL2 gene, results from a G to C substitution at nucleotide position 1184. The cysteine at codon 395 is replaced by serine, an amino acid with dissimilar properties. This amino acid position is well conserved in available vertebrate species. In addition, this alteration is predicted to be deleterious by in silico analysis. Since supporting evidence is limited at this time, the clinical significance of this alteration remains unclear.

NM_001122955.4(BSCL2):c.1376G>C (p.Cys459Ser)

Genes: BSCL2 (BSCL2 lipid droplet biogenesis associated, seipin; minus strand), HNRNPUL2-BSCL2 (HNRNPUL2-BSCL2 readthrough (NMD candidate); minus strand). Cytogenetic location: 11q12.3.
Variant type: single nucleotide variant.
Coding change: c.1376G>C on transcript NM_001122955.4 (MANE Select); coding-DNA position 1376, G replaced by C.
Protein change: p.Cys459Ser; replaces cysteine 459 with serine.
Molecular consequence: missense variant. On other transcripts: non-coding transcript variant (1), 3 prime UTR variant (1).
Genome position (GRCh38, 1-based): chr11:62,690,380, C>G on the plus strand (G>C on the coding strand, the complement: BSCL2 is on the minus strand). VCF-style: chr11-62690380-C-G. GRCh37 (hg19) VCF-style: chr11-62457852-C-G.
Other names: c.*178G>C (NM_001130702.2); c.1382G>C, p.Cys461Ser (NM_001386027.1); c.1376G>C, p.Cys459Ser (NM_001386028.1); c.1184G>C, p.Cys395Ser (NM_032667.6); short protein forms C395S, C459S, C461S.
Identifiers: ClinVar variation 1700319 (VCV001700319.4), dbSNP rs775890636, ClinGen allele CA380953499.